The following is an entry in ClinVar:

ClinVar aggregate classification (germline): Uncertain significance (1 of 4 stars; one submission).

Conditions:
Combined immunodeficiency due to DOCK8 deficiency (HIES2). Also called: Hyper-IgE recurrent infection syndrome, autosomal recessive; HYPER-IgE RECURRENT INFECTION SYNDROME 2, AUTOSOMAL RECESSIVE; HYPER-IgE SYNDROME 2, AUTOSOMAL RECESSIVE, WITH RECURRENT INFECTIONS; DOCK8 Deficiency; HIES autosomal recessive. Identifiers: Orphanet 217390, MedGen C4722305, MONDO:0009478, OMIM 243700.

Allele frequency attached by ClinVar (database versions not stated): gnomAD exomes below 0.00001; gnomAD 0.00001; TOPMed 0.00001.
gnomAD v4.1: 9 of 1,613,904 alleles (0.00056%); highest among the groups gnomAD compares: East Asian, 0.0022%; no homozygotes.

Submission:

Labcorp Genetics (formerly Invitae), Labcorp
Classification: Uncertain significance for Combined immunodeficiency due to DOCK8 deficiency. Last evaluated: 2024-05-20. Review status: criteria provided, single submitter. Criteria: Invitae Variant Classification Sherloc (09022015). Collection method: clinical testing. Allele origin: germline.
Comment: This sequence change falls in intron 4 of the DOCK8 gene. It does not directly change the encoded amino acid sequence of the DOCK8 protein. This variant is present in population databases (no rsID available, gnomAD 0.0009%). This variant has not been reported in the literature in individuals affected with DOCK8-related conditions. ClinVar contains an entry for this variant (Variation ID: 1447644). Algorithms developed to predict the effect of sequence changes on RNA splicing suggest that this variant may disrupt the consensus splice site. In summary, the available evidence is currently insufficient to determine the role of this variant in disease. Therefore, it has been classified as a Variant of Uncertain Significance.

NM_203447.4(DOCK8):c.405-16A>G

Gene: DOCK8 (dedicator of cytokinesis 8; plus strand). Cytogenetic location: 9p24.3.
Variant type: single nucleotide variant.
Coding change: c.405-16A>G on transcript NM_203447.4 (MANE Select); 16 bases into the intron before coding-DNA position 405, A replaced by G.
Molecular consequence: intron variant.
Genome position (GRCh38, 1-based): chr9:304,565, A>G. VCF-style: chr9-304565-A-G. GRCh37 (hg19) VCF-style: chr9-304565-A-G.
Other names: c.201-16A>G (NM_001193536.2, NM_001190458.2).
Identifiers: ClinVar variation 1447644 (VCV001447644.7), dbSNP rs1336117189, ClinGen allele CA585872906.